The following is an entry in ClinVar:

NM_020738.4(KIDINS220):c.3991G>T (p.Glu1331Ter)

Gene: KIDINS220 (kinase D interacting substrate 220; minus strand). Cytogenetic location: 2p25.1.
Variant type: single nucleotide variant.
Coding change: c.3991G>T on transcript NM_020738.4 (MANE Select); coding-DNA position 3991, G replaced by T.
Protein change: p.Glu1331Ter; replaces glutamic acid 1331 with a stop codon.
Molecular consequence: nonsense. On other transcripts: non-coding transcript variant (2).
Genome position (GRCh38, 1-based): chr2:8,733,506, C>A on the plus strand (G>T on the coding strand, the complement: KIDINS220 is on the minus strand). VCF-style: chr2-8733506-C-A. GRCh37 (hg19) VCF-style: chr2-8873636-C-A.
Other names: c.3994G>T, p.Glu1332Ter (NM_001348729.2); c.3937G>T, p.Glu1313Ter (NM_001348731.2); c.3934G>T, p.Glu1312Ter (NM_001348732.2, NM_001348738.2); c.3823G>T, p.Glu1275Ter (NM_001348734.2, NM_001348739.2, NM_001348740.2); c.3820G>T, p.Glu1274Ter (NM_001348735.2, NM_001348741.2, NM_001348742.2 and 1 more transcripts); c.3694G>T, p.Glu1232Ter (NM_001348736.2); short protein forms E1232*, E1274*, E1275*, E1312*, E1313*, E1331*, E1332*.
Identifiers: ClinVar variation 1333866 (VCV001333866.3), dbSNP rs1664428695, ClinGen allele CA345766916.

ClinVar aggregate classification (germline): Pathogenic/Likely pathogenic. Review status: criteria provided, multiple submitters, no conflicts (2 of 4 stars). 2 submissions from 2 submitters: Pathogenic (1); Likely pathogenic (1). Last evaluated 2024-11-24.

Conditions:
Spastic paraplegia, intellectual disability, nystagmus, and obesity. Also called: Spastic paraplegia, intellectual disability, nystagmus, and obesity;. Identifiers: Orphanet 521390, MedGen C4284592, MONDO:0015007, OMIM 617296.

Submissions (2):

Labcorp Genetics (formerly Invitae), Labcorp
Classification: Pathogenic. Last evaluated: 2024-11-24. Review status: criteria provided, single submitter. Criteria: Invitae Variant Classification Sherloc (09022015). Collection method: clinical testing. Allele origin: germline.
Comment: This sequence change creates a premature translational stop signal (p.Glu1331*) in the KIDINS220 gene. It is expected to result in an absent or disrupted protein product. Loss-of-function variants in KIDINS220 are known to be pathogenic (PMID: 28934391, 32909676). This variant is not present in population databases (gnomAD no frequency). This variant has not been reported in the literature in individuals affected with KIDINS220-related conditions. ClinVar contains an entry for this variant (Variation ID: 1333866). For these reasons, this variant has been classified as Pathogenic.

CENTOGENE GmbH and LLC - Guiding Precision Medicine
Classification: Likely pathogenic for Spastic paraplegia, intellectual disability, nystagmus, and obesity. Last evaluated: 2019-03-21. Review status: criteria provided, single submitter. Criteria: ACMG Guidelines, 2015. Collection method: clinical testing. Allele origin: germline. Affected: yes.

Literature cited by the submitters: PubMed 28934391 (cited by Labcorp Genetics (formerly Invitae), Labcorp); PubMed 32909676 (cited by Labcorp Genetics (formerly Invitae), Labcorp).